The following is an entry in ClinVar:

NM_198253.3(TERT):c.1648A>C (p.Ser550Arg)

Gene: TERT (telomerase reverse transcriptase; minus strand). Cytogenetic location: 5p15.33.
Variant type: single nucleotide variant.
Coding change: c.1648A>C on transcript NM_198253.3 (MANE Select); coding-DNA position 1648, A replaced by C.
Protein change: p.Ser550Arg; replaces serine 550 with arginine.
Molecular consequence: missense variant. On other transcripts: non-coding transcript variant (2).
Genome position (GRCh38, 1-based): chr5:1,282,550, T>G on the plus strand (A>C on the coding strand, the complement: TERT is on the minus strand). VCF-style: chr5-1282550-T-G. GRCh37 (hg19) VCF-style: chr5-1282665-T-G.
Other names: c.1648A>C, p.Ser550Arg (NM_001193376.3); short protein forms S550R.
Identifiers: ClinVar variation 966224 (VCV000966224.11), dbSNP rs745806589, ClinGen allele CA3184791.

ClinVar aggregate classification (germline): Uncertain significance. Review status: criteria provided, multiple submitters, no conflicts (2 of 4 stars). 2 submissions from 2 submitters: Uncertain significance (2). Last evaluated 2024-02-02.

Conditions:
Idiopathic Pulmonary Fibrosis. Also called: Idiopathic fibrosing alveolitis, chronic form; idiopathic fibrosing alveolitis. Identifiers: Orphanet 2032, MedGen C1800706, MeSH D054990, MONDO:0800504.
Dyskeratosis congenita, autosomal dominant 2. Identifiers: MedGen C3151443, MONDO:0013521, OMIM 613989.
Dyskeratosis congenita. Identifiers: Orphanet 1775, MedGen C0265965, MONDO:0015780.

Allele frequency attached by ClinVar (database versions not stated): gnomAD exomes below 0.00001; ExAC 0.00001.
gnomAD v4.1: 2 of 1,614,090 alleles (0.00012%); highest among the groups gnomAD compares: Admixed American, 0.0017%; no homozygotes.

Submissions (2):

Ambry Genetics
Classification: Uncertain significance for Dyskeratosis congenita. Last evaluated: 2024-02-02. Review status: criteria provided, single submitter. Criteria: Ambry Variant Classification Scheme 2023. Collection method: clinical testing. Allele origin: germline.
Comment: The p.S550R variant (also known as c.1648A>C), located in coding exon 3 of the TERT gene, results from an A to C substitution at nucleotide position 1648. The serine at codon 550 is replaced by arginine, an amino acid with dissimilar properties. This amino acid position is conserved. In addition, this alteration is predicted to be tolerated by in silico analysis. Based on the available evidence, the clinical significance of this alteration remains unclear.

Labcorp Genetics (formerly Invitae), Labcorp
Classification: Uncertain significance for Dyskeratosis congenita, autosomal dominant 2; Idiopathic Pulmonary Fibrosis. Last evaluated: 2022-01-18. Review status: criteria provided, single submitter. Criteria: Invitae Variant Classification Sherloc (09022015). Collection method: clinical testing. Allele origin: germline.
Comment: This sequence change replaces serine, which is neutral and polar, with arginine, which is basic and polar, at codon 550 of the TERT protein (p.Ser550Arg). This variant is present in population databases (rs745806589, gnomAD 0.003%). In summary, the available evidence is currently insufficient to determine the role of this variant in disease. Therefore, it has been classified as a Variant of Uncertain Significance. This variant has not been reported in the literature in individuals affected with TERT-related conditions. ClinVar contains an entry for this variant (Variation ID: 966224). Advanced modeling of protein sequence and biophysical properties (such as structural, functional, and spatial information, amino acid conservation, physicochemical variation, residue mobility, and thermodynamic stability) performed at Invitae indicates that this missense variant is not expected to disrupt TERT protein function.